The following is an entry in ClinVar:

ClinVar aggregate classification (germline): Uncertain significance. Review status: criteria provided, multiple submitters, no conflicts (2 of 4 stars). 5 submissions from 5 submitters: Uncertain significance (5). Last evaluated 2026-05-05.

Conditions:
Inborn genetic diseases. Identifiers: MedGen C0950123, MeSH D030342.
Fanconi anemia (FA). Also called: Fanconi's anemia. Identifiers: Orphanet 84, MedGen C0015625, MeSH D005199, MONDO:0019391.
Fanconi anemia complementation group A (FANCA). Also called: Fanconi anemia, group A; FANCA-Related Fanconi Anemia. Identifiers: Orphanet 84, MedGen C3469521, MONDO:0009215, OMIM 227650.

Allele frequency attached by ClinVar (database versions not stated): gnomAD 0.00001; TOPMed 0.00003.
gnomAD v4.1: 51 of 1,614,084 alleles (0.0032%); highest among the groups gnomAD compares: Non-Finnish European, 0.0042%; no homozygotes.

Submissions (5):

Ambry Genetics
Classification: Uncertain significance for Inborn genetic diseases. Last evaluated: 2026-05-05. Review status: criteria provided, single submitter. Criteria: Ambry Variant Classification Scheme 2023. Collection method: clinical testing. Allele origin: germline.

Center for Genomic Medicine, Rigshospitalet, Copenhagen University Hospital
Classification: Uncertain significance. Last evaluated: 2025-03-04. Review status: criteria provided, single submitter. Criteria: ACMG Guidelines, 2015. Collection method: clinical testing. Allele origin: germline.

Labcorp Genetics (formerly Invitae), Labcorp
Classification: Uncertain significance for Fanconi anemia. Last evaluated: 2023-12-09. Review status: criteria provided, single submitter. Criteria: Invitae Variant Classification Sherloc (09022015). Collection method: clinical testing. Allele origin: germline.
Comment: This sequence change replaces proline, which is neutral and non-polar, with threonine, which is neutral and polar, at codon 1037 of the FANCA protein (p.Pro1037Thr). This variant is present in population databases (rs771174892, gnomAD 0.003%). This variant has not been reported in the literature in individuals affected with FANCA-related conditions. ClinVar contains an entry for this variant (Variation ID: 887366). Advanced modeling of protein sequence and biophysical properties (such as structural, functional, and spatial information, amino acid conservation, physicochemical variation, residue mobility, and thermodynamic stability) performed at Invitae indicates that this missense variant is expected to disrupt FANCA protein function with a positive predictive value of 80%. In summary, the available evidence is currently insufficient to determine the role of this variant in disease. Therefore, it has been classified as a Variant of Uncertain Significance.

Blueprint Genetics
Classification: Uncertain significance. Last evaluated: 2021-03-02. Review status: criteria provided, single submitter. Criteria: ACMG Guidelines, 2015. Collection method: clinical testing. Allele origin: germline.

Illumina Laboratory Services, Illumina
Classification: Uncertain significance for Fanconi anemia complementation group A. Last evaluated: 2018-01-12. Review status: criteria provided, single submitter. Criteria: ICSL Variant Classification Criteria 13 December 2019. Collection method: clinical testing. Allele origin: germline.

NM_000135.4(FANCA):c.3109C>A (p.Pro1037Thr)

Gene: FANCA (FA complementation group A; minus strand). Cytogenetic location: 16q24.3.
Variant type: single nucleotide variant.
Coding change: c.3109C>A on transcript NM_000135.4 (MANE Select); coding-DNA position 3109, C replaced by A.
Protein change: p.Pro1037Thr; replaces proline 1037 with threonine.
Molecular consequence: missense variant.
Genome position (GRCh38, 1-based): chr16:89,749,860, G>T on the plus strand (C>A on the coding strand, the complement: FANCA is on the minus strand). VCF-style: chr16-89749860-G-T. GRCh37 (hg19) VCF-style: chr16-89816268-G-T.
Other names: c.3109C>A, p.Pro1037Thr (NM_001286167.3); short protein forms P1037T.
Identifiers: ClinVar variation 887366 (VCV000887366.12), dbSNP rs771174892, ClinGen allele CA8251327.